The following is an entry in ClinVar:

NM_005612.5(REST):c.2238G>T (p.Gln746His)

Gene: REST (RE1 silencing transcription factor; plus strand). Cytogenetic location: 4q12.
Variant type: single nucleotide variant.
Coding change: c.2238G>T on transcript NM_005612.5 (MANE Select); coding-DNA position 2238, G replaced by T.
Protein change: p.Gln746His; replaces glutamine 746 with histidine.
Molecular consequence: missense variant.
Genome position (GRCh38, 1-based): chr4:56,931,096, G>T. VCF-style: chr4-56931096-G-T. GRCh37 (hg19) VCF-style: chr4-57797262-G-T.
Other names: c.2238G>T, p.Gln746His (NM_001193508.2, NM_001363453.3); short protein forms Q746H.
Identifiers: ClinVar variation 1521239 (VCV001521239.28), dbSNP rs200745456, ClinGen allele CA2932438.

ClinVar aggregate classification (germline): Conflicting classifications of pathogenicity. Review status: criteria provided, conflicting classifications (1 of 4 stars). 4 submissions from 4 submitters: Uncertain significance (2); Likely benign (2). Last evaluated 2025-10-10.

Conditions:
Inborn genetic diseases. Identifiers: MedGen C0950123, MeSH D030342.

Allele frequency attached by ClinVar (database versions not stated): ESP Exome Variant Server 0.00008; gnomAD 0.00009 and 0.00010; gnomAD exomes 0.00015; ExAC 0.00020.
gnomAD v4.1: 217 of 1,384,922 alleles (0.016%); highest among the groups gnomAD compares: Middle Eastern, 0.088%; no homozygotes.

Submissions (4):

Labcorp Genetics (formerly Invitae), Labcorp
Classification: Uncertain significance. Last evaluated: 2025-10-10. Review status: criteria provided, single submitter. Criteria: Invitae Variant Classification Sherloc (09022015). Collection method: clinical testing. Allele origin: germline.
Comment: This sequence change replaces glutamine, which is neutral and polar, with histidine, which is basic and polar, at codon 746 of the REST protein (p.Gln746His). This variant is present in population databases (rs200745456, gnomAD 0.03%), and has an allele count higher than expected for a pathogenic variant. This variant has not been reported in the literature in individuals affected with REST-related conditions. ClinVar contains an entry for this variant (Variation ID: 1521239). An algorithm developed to predict the effect of missense changes on protein structure and function (PolyPhen-2) suggests that this variant is likely to be tolerated. In summary, the available evidence is currently insufficient to determine the role of this variant in disease. Therefore, it has been classified as a Variant of Uncertain Significance.

Ambry Genetics
Classification: Uncertain significance for Inborn genetic diseases. Last evaluated: 2024-08-20. Review status: criteria provided, single submitter. Criteria: Ambry Variant Classification Scheme 2023. Collection method: clinical testing. Allele origin: germline.

CeGaT Center for Human Genetics Tuebingen
Classification: Likely benign. Last evaluated: 2024-07-01. Review status: criteria provided, single submitter. Criteria: CeGaT Center For Human Genetics Tuebingen Variant Classification Criteria Version 2. Collection method: clinical testing. Allele origin: germline. Affected: yes. Observed: 1 variant allele.
Comment: REST: BP4

Blueprint Genetics
Classification: Likely benign. Last evaluated: 2024-05-23. Review status: criteria provided, single submitter. Criteria: ACMG Guidelines, 2015. Collection method: clinical testing. Allele origin: germline.